The following is an entry in ClinVar:

ClinVar aggregate classification (germline): Uncertain significance. Review status: criteria provided, multiple submitters, no conflicts (2 of 4 stars). 2 submissions from 2 submitters: Uncertain significance (2). Last evaluated 2021-12-03.

Conditions:
Autosomal recessive ataxia, Beauce type. Also called: Spinocerebellar ataxia, autosomal recessive 8; ATAXIA, RECESSIVE, OF BEAUCE; SYNE1 Deficiency; SYNE1-Related Autosomal Recessive Cerebellar Ataxia. Identifiers: Orphanet 88644, MedGen C1853116, MONDO:0012549, OMIM 610743.
Emery-Dreifuss muscular dystrophy 4, autosomal dominant (EDMD4). Also called: EMERY-DREIFUSS MUSCULAR DYSTROPHY 4 WITH VARIABLE FEATURES. Identifiers: Orphanet 261, MedGen C2751807, MONDO:0013071, OMIM 612998.

Allele frequency attached by ClinVar (database versions not stated): gnomAD exomes below 0.00001.
gnomAD v4.1: 2 of 1,613,882 alleles (0.00012%); highest among the groups gnomAD compares: Admixed American, 0.0017%; no homozygotes.

Submissions (2):

Labcorp Genetics (formerly Invitae), Labcorp
Classification: Uncertain significance for Emery-Dreifuss muscular dystrophy 4, autosomal dominant; Autosomal recessive ataxia, Beauce type. Last evaluated: 2021-12-03. Review status: criteria provided, single submitter. Criteria: Invitae Variant Classification Sherloc (09022015). Collection method: clinical testing. Allele origin: germline.
Comment: This sequence change replaces methionine, which is neutral and non-polar, with isoleucine, which is neutral and non-polar, at codon 6119 of the SYNE1 protein (p.Met6119Ile). This variant is not present in population databases (gnomAD no frequency). This variant has not been reported in the literature in individuals affected with SYNE1-related conditions. ClinVar contains an entry for this variant (Variation ID: 290172). Algorithms developed to predict the effect of missense changes on protein structure and function output the following: SIFT: "Tolerated"; PolyPhen-2: "Benign"; Align-GVGD: "Class C0". The isoleucine amino acid residue is found in multiple mammalian species, which suggests that this missense change does not adversely affect protein function. In summary, the available evidence is currently insufficient to determine the role of this variant in disease. Therefore, it has been classified as a Variant of Uncertain Significance.

Eurofins Ntd Llc (ga)
Classification: Uncertain significance. Last evaluated: 2016-08-10. Review status: criteria provided, single submitter. Criteria: EGL Classification Definitions 2015. Collection method: clinical testing. Allele origin: germline. Observed: 1 variant allele, 1 heterozygote.

NM_182961.4(SYNE1):c.18570G>A (p.Met6190Ile)

Gene: SYNE1 (spectrin repeat containing nuclear envelope protein 1; minus strand). Cytogenetic location: 6q25.2.
Variant type: single nucleotide variant.
Coding change: c.18570G>A on transcript NM_182961.4 (MANE Select); coding-DNA position 18570, G replaced by A.
Protein change: p.Met6190Ile; replaces methionine 6190 with isoleucine.
Molecular consequence: missense variant.
Genome position (GRCh38, 1-based): chr6:152,278,092, C>T on the plus strand (G>A on the coding strand, the complement: SYNE1 is on the minus strand). VCF-style: chr6-152278092-C-T. GRCh37 (hg19) VCF-style: chr6-152599227-C-T.
Other names: c.18357G>A, p.Met6119Ile (NM_033071.5); short protein forms M6190I, M6119I.
Identifiers: ClinVar variation 290172 (VCV000290172.7), dbSNP rs886044368, ClinGen allele CA10606674.